The following is an entry in ClinVar:

ClinVar aggregate classification (germline): Uncertain significance (1 of 4 stars; one submission).

Conditions:
Rhabdoid tumor predisposition syndrome 2 (RTPS2). Identifiers: Orphanet 231108, Orphanet 69077, MedGen C2750074, MONDO:0013224, OMIM 613325.

Submission:

Labcorp Genetics (formerly Invitae), Labcorp
Classification: Uncertain significance for Rhabdoid tumor predisposition syndrome 2. Last evaluated: 2018-03-18. Review status: criteria provided, single submitter. Criteria: Invitae Variant Classification Sherloc (09022015). Collection method: clinical testing. Allele origin: germline.
Comment: In summary, the available evidence is currently insufficient to determine the role of this variant in disease. Therefore, it has been classified as a Variant of Uncertain Significance. Algorithms developed to predict the effect of missense changes on protein structure and function (SIFT, PolyPhen-2, Align-GVGD) all suggest that this variant is likely to be disruptive, but these predictions have not been confirmed by published functional studies and their clinical significance is uncertain. This variant has not been reported in the literature in individuals with SMARCA4-related disease. This variant is not present in population databases (ExAC no frequency). This sequence change replaces glutamic acid with lysine at codon 940 of the SMARCA4 protein (p.Glu940Lys). The glutamic acid residue is highly conserved and there is a small physicochemical difference between glutamic acid and lysine.

NM_003072.5(SMARCA4):c.2818G>A (p.Glu940Lys)

Gene: SMARCA4 (SWI/SNF related BAF chromatin remodeling complex subunit ATPase 4; plus strand). Cytogenetic location: 19p13.2.
Variant type: single nucleotide variant.
Coding change: c.2818G>A on transcript NM_003072.5 (MANE Select); coding-DNA position 2818, G replaced by A.
Protein change: p.Glu940Lys; replaces glutamic acid 940 with lysine.
Molecular consequence: missense variant. On other transcripts: non-coding transcript variant (1).
Genome position (GRCh38, 1-based): chr19:11,021,926, G>A. VCF-style: chr19-11021926-G-A. GRCh37 (hg19) VCF-style: chr19-11132602-G-A.
Other names: c.2818G>A, p.Glu940Lys (NM_001128844.3, NM_001128845.2, NM_001128846.2 and 5 more transcripts); short protein forms E940K.
Identifiers: ClinVar variation 574749 (VCV000574749.8), dbSNP rs1568487189, ClinGen allele CA404056789.